The following is an entry in ClinVar:

NM_000080.4(CHRNE):c.1161_1162insT (p.Lys388Ter)

Genes: CHRNE (cholinergic receptor nicotinic epsilon subunit; minus strand), LOC130060040 (ATAC-STARR-seq lymphoblastoid silent region 8049; plus strand). Cytogenetic location: 17p13.2.
Variant type: Insertion.
Coding change: c.1161_1162insT on transcript NM_000080.4 (MANE Select); coding-DNA positions 1161 to 1162, T inserted.
Protein change: p.Lys388Ter; replaces lysine 388 with a stop codon.
Molecular consequence: nonsense.
Genome position: GRCh38 VCF-style: chr17-4899255-T-TA. GRCh37 (hg19) VCF-style: chr17-4802550-T-TA.
Other names: c.1161_1162insT, p.Lys388Ter (LRG_1254t1); short protein forms K388*.
Identifiers: ClinVar variation 18355 (VCV000018355.11), dbSNP rs886037628, ClinGen allele CA10575539.
Genomic context (GRCh38, chr17:4,899,255, plus strand): 5'-CACCCGTCCAGGTCCCCTGCCGGTGCCTCTGCCCCTCAAACACGAGCTCGCTCCGTGGCT[T>TA]TTTCAGTATCAGCTCCTCCGCGCGGAGCAATAAGCCCACCGACGACGCCCGCCTTGGGGG-3'

ClinVar aggregate classification (germline): Pathogenic/Likely pathogenic. Review status: criteria provided, multiple submitters, no conflicts (2 of 4 stars). 5 submissions from 5 submitters: Pathogenic (3); Likely pathogenic (1). 1 of the submissions does not count toward it. Last evaluated 2025-07-16.

Conditions:
Congenital myasthenic syndrome 4A. Also called: CONGENITAL MYASTHENIC SYNDROME TYPE Ia1; Myasthenic syndrome, congenital, 4a, slow-channel; MYASTHENIC SYNDROME, CONGENITAL, 4A, SLOW-CHANNEL, AUTOSOMAL RECESSIVE. Identifiers: Orphanet 590, MedGen C4225413, MONDO:0011600, OMIM 605809.
Congenital myasthenic syndrome 4B. Also called: Myasthenic syndrome, congenital, 4b, fast-channel. Identifiers: Orphanet 590, MedGen C4225369, MONDO:0014586, OMIM 616324.
Congenital myasthenic syndrome 4C (CMS4C). Also called: Myasthenic syndrome, congenital, associated with acetylcholine receptor deficiency. Identifiers: Orphanet 590, MedGen C1837091, MONDO:0012157, OMIM 608931.
Congenital myasthenic syndrome (CMS). Also called: Congenital Myasthenic Syndromes. Identifiers: Orphanet 590, MedGen C0751882, MeSH D020294, MONDO:0018940.

Allele frequency attached by ClinVar (database versions not stated): gnomAD exomes below 0.00001; TOPMed 0.00001.

Submissions (5):

Labcorp Genetics (formerly Invitae), Labcorp
Classification: Pathogenic for Congenital myasthenic syndrome 4A. Last evaluated: 2025-07-16. Review status: criteria provided, single submitter. Criteria: Invitae Variant Classification Sherloc (09022015). Collection method: clinical testing. Allele origin: germline.
Comment: This sequence change creates a premature translational stop signal (p.Lys388*) in the CHRNE gene. It is expected to result in an absent or disrupted protein product. Loss-of-function variants in CHRNE are known to be pathogenic (PMID: 22678886). This variant is present in population databases (no rsID available, gnomAD 0.01%). This premature translational stop signal has been observed in individual(s) with congenital myasthenic syndrome (PMID: 8957026). In at least one individual the data is consistent with being in trans (on the opposite chromosome) from a pathogenic variant. This variant is also known as 1101insT. ClinVar contains an entry for this variant (Variation ID: 18355). For these reasons, this variant has been classified as Pathogenic.

Natera, Inc.
Classification: Pathogenic for Congenital myasthenic syndrome. Last evaluated: 2024-11-12. Review status: criteria provided, single submitter. Criteria: Natera Variant Classification Schema (03/2026). Collection method: clinical testing. Allele origin: germline.
Comment: The c.1161_1162insT variant in CHRNE is a frameshift variant predicted to shift the reading frame and introduce a stop codon. This variant is expected to result in nonsense mediated decay, truncation, or a dysfunctional protein product. This variant is rare in the general population with a frequency below the threshold expected for the associated phenotype(s). This variant has been observed in one or more individuals affected with the associated recessive disease, as either homozygous or compound heterozygous with a second variant (PMID: 8957026). Given the available evidence, this variant is classified as Pathogenic.

Fulgent Genetics
Classification: Likely pathogenic for Congenital myasthenic syndrome 4A; Congenital myasthenic syndrome 4C; Congenital myasthenic syndrome 4B. Last evaluated: 2024-03-12. Review status: criteria provided, single submitter. Criteria: ACMG Guidelines, 2015. Collection method: clinical testing. Allele origin: germline.

Baylor Genetics
Classification: Pathogenic for Congenital myasthenic syndrome 4A. Last evaluated: 2024-02-14. Review status: criteria provided, single submitter. Criteria: ACMG Guidelines, 2015. Collection method: clinical testing. Allele origin: unknown.

OMIM
Classification: Pathogenic for MYASTHENIC SYNDROME, CONGENITAL, 4C, ASSOCIATED WITH ACETYLCHOLINE RECEPTOR DEFICIENCY. Last evaluated: 1996-11-01. Review status: no assertion criteria provided. Collection method: literature only. Allele origin: germline. Not counted in ClinVar's aggregate classification.

Literature cited by the submitters: PubMed 22678886 (cited by Labcorp Genetics (formerly Invitae), Labcorp); PubMed 8957026 (cited by 3 submitters).